The following is an entry in ClinVar:

ClinVar aggregate classification (germline): Likely pathogenic (1 of 4 stars; one submission).

Conditions:
46,XX sex reversal 4 (SRXX4). Also called: 46,XX SEX REVERSAL, SRY-NEGATIVE; 46, XX sex reversal 4. Identifiers: MedGen C4479552, MONDO:0060489, OMIM 617480.

gnomAD v4.1: 24 of 1,611,094 alleles (0.0015%); highest among the groups gnomAD compares: East Asian, 0.0022%; no homozygotes.

Submission:

Centro Nacional de Genética Medica, Administración Nacional de Laboratorios e Institutos de Salud (ANLIS) “Dr. Carlos G Malbrán”
Classification: Likely pathogenic for 46,XX sex reversal 4. Last evaluated: 2026-03-26. Review status: criteria provided, single submitter. Criteria: ACMG Guidelines, 2015. Collection method: clinical testing. Allele origin: germline. Affected: yes. Observed: 1 variant allele.
Comment: Subsequent exome sequencing identified a heterozygous previously described missense variant in the NR5A1/SF-1 gene resulting in a nucleotide substitution NM_004959.5:c.779C>T within exon 4 leading to a NP_004950.2:p.Ala260Val substitution. Although the NM_004959.5:c.779C>T variant has been previously reported and functional assays have demonstrated impaired biological activity, its classification according to current ACMG guidelines has not yet been established. Therefore, we applied these criteria to further characterize the substitution. While both alanine and valine are aliphatic, nonpolar amino acids, the substitution introduces a more complex and bulky branched-chain residue. This variant is located within the ligand-binding domain (Hormone receptor; PF00104) (PM1). This specific domain is predicted to interact with WT4/\beta-catenin; thus, the variant may disrupt this interaction, potentially impairing the pro-ovarian pathway. Functionally, while the expression levels and cellular localization of NR5A1 remain unaffected, the p.Ala260Val variant has been shown to repress the WNT signaling pathway and exhibits a reduced capacity to upregulate the anti-testis gene NR0B1 (PS3_Supporting, PS4_Supporting). Population data from gnomAD, ExAC, and 1000 Genomes indicate that this variant occurs at a very low frequency (<0,01%) (PM2_Supporting). Furthermore, the NR5A1 gene has a low tolerance for missense mutations, with 52 reported pathogenic variants versus only 5 benign (The Genome Aggregation Database v4.1.0 (gnomAD™) (PP2). According to the ACMG/ClinGen guidelines, this heterozygous variant is classified as likely pathogenic (PM1, PS3_Supporting, PS4_Supporting, PM2_Supporting, PP2).

Literature cited by the submitters: PubMed 30350900; PubMed 38168586; PubMed 40645834.

NM_004959.5(NR5A1):c.779C>T (p.Ala260Val)

Gene: NR5A1 (nuclear receptor subfamily 5 group A member 1; minus strand). Cytogenetic location: 9q33.3.
Variant type: single nucleotide variant.
Coding change: c.779C>T on transcript NM_004959.5 (MANE Select); coding-DNA position 779, C replaced by T.
Protein change: p.Ala260Val; replaces alanine 260 with valine.
Molecular consequence: missense variant.
Genome position (GRCh38, 1-based): chr9:124,500,181, G>A on the plus strand (C>T on the coding strand, the complement: NR5A1 is on the minus strand). VCF-style: chr9-124500181-G-A. GRCh37 (hg19) VCF-style: chr9-127262460-G-A.
Other names: NP_004950.2:p.Ala260Val; short protein forms A260V.
Identifiers: ClinVar variation 4820221 (VCV004820221.1).